The following is an entry in ClinVar:

NM_000268.4(NF2):c.1371C>A (p.Asp457Glu)

Gene: NF2 (NF2, moesin-ezrin-radixin like (MERLIN) tumor suppressor; plus strand). Cytogenetic location: 22q12.2.
Variant type: single nucleotide variant.
Coding change: c.1371C>A on transcript NM_000268.4 (MANE Select); coding-DNA position 1371, C replaced by A.
Protein change: p.Asp457Glu; replaces aspartic acid 457 with glutamic acid.
Molecular consequence: missense variant. On other transcripts: non-coding transcript variant (1), intron variant (1).
Genome position (GRCh38, 1-based): chr22:29,674,866, C>A. VCF-style: chr22-29674866-C-A. GRCh37 (hg19) VCF-style: chr22-30070855-C-A.
Other names: c.1371C>A, p.Asp457Glu (NM_016418.5, NM_181825.3, NM_181832.3); c.1245C>A, p.Asp415Glu (NM_181828.3); c.1248C>A, p.Asp416Glu (NM_181829.3); c.1122C>A, p.Asp374Glu (NM_181830.3, NM_181831.3); c.448-19886C>A (NM_181833.3); short protein forms D415E, D416E, D457E, D374E.
Identifiers: ClinVar variation 1384119 (VCV001384119.12), dbSNP rs1220807117, ClinGen allele CA411148917.
Genomic context (GRCh38, chr22:29,674,866, plus strand): 5'-TGAAGCTGACATCTCATCCTTTCCTTGCAGGGCCAAAGAGGCAGATCAGCTGAAGCAGGA[C>A]CTGCAGGAAGCACGCGAGGCGGAGCGAAGAGCCAAGCAGAAGCTCCTGGAGATTGCCACC-3'
Protein context (NP_000259.1, residues 447-467): RAKEADQLKQ[Asp457Glu]LQEAREAERR

ClinVar aggregate classification (germline): Uncertain significance. Review status: criteria provided, multiple submitters, no conflicts (2 of 4 stars). 4 submissions from 4 submitters: Uncertain significance (4). Last evaluated 2024-08-28.

Conditions:
Hereditary cancer-predisposing syndrome. Also called: Tumor predisposition; Neoplastic Syndromes, Hereditary; Hereditary Cancer Syndrome; Hereditary neoplastic syndrome. Identifiers: Orphanet 140162, MedGen C0027672, MeSH D009386, MONDO:0015356.
Neurofibromatosis, type 2 (SWNV). Also called: BILATERAL ACOUSTIC NEUROFIBROMATOSIS; NF2-Related Schwannomatosis; SCHWANNOMATOSIS, VESTIBULAR. Identifiers: Orphanet 637, MedGen C0027832, MONDO:0007039, OMIM 101000. Disease mechanism: loss of function.

gnomAD v4.1: 1 of 1,567,012 alleles (0.000064%); highest among the groups gnomAD compares: Non-Finnish European, 0.000087%; no homozygotes.

Submissions (4):

GeneDx
Classification: Uncertain significance. Last evaluated: 2024-08-28. Review status: criteria provided, single submitter. Criteria: GeneDx Variant Classification Process June 2021. Collection method: clinical testing. Allele origin: germline. Affected: yes.
Comment: Not observed at significant frequency in large population cohorts (gnomAD); In silico analysis indicates that this missense variant does not alter protein structure/function; Has not been previously published as pathogenic or benign to our knowledge; This variant is associated with the following publications: (PMID: 16324214, 17134719, 22482125)

All of Us Research Program, National Institutes of Health
Classification: Uncertain significance for Neurofibromatosis, type 2. Last evaluated: 2024-08-06. Review status: criteria provided, single submitter. Criteria: ACMG Guidelines, 2015. Collection method: clinical testing. Allele origin: germline. Inheritance: Autosomal dominant inheritance. Observed: 1 variant allele, 1 heterozygote.
Comment: This study involves interpretation of variants in research participants for the purpose of population health screening. Participant phenotype was not available at the time of variant classification. Additional details can be found in publication PMID: 35346344, PMCID: PMC8962531

Labcorp Genetics (formerly Invitae), Labcorp
Classification: Uncertain significance for Neurofibromatosis, type 2. Last evaluated: 2023-08-11. Review status: criteria provided, single submitter. Criteria: Invitae Variant Classification Sherloc (09022015). Collection method: clinical testing. Allele origin: germline.
Comment: In summary, the available evidence is currently insufficient to determine the role of this variant in disease. Therefore, it has been classified as a Variant of Uncertain Significance. Advanced modeling of protein sequence and biophysical properties (such as structural, functional, and spatial information, amino acid conservation, physicochemical variation, residue mobility, and thermodynamic stability) performed at Invitae indicates that this missense variant is not expected to disrupt NF2 protein function. ClinVar contains an entry for this variant (Variation ID: 1384119). This variant has not been reported in the literature in individuals affected with NF2-related conditions. This variant is not present in population databases (gnomAD no frequency). This sequence change replaces aspartic acid, which is acidic and polar, with glutamic acid, which is acidic and polar, at codon 457 of the NF2 protein (p.Asp457Glu).

Ambry Genetics
Classification: Uncertain significance for Hereditary cancer-predisposing syndrome. Last evaluated: 2022-04-24. Review status: criteria provided, single submitter. Criteria: Ambry Variant Classification Scheme 2023. Collection method: clinical testing. Allele origin: germline.
Comment: The p.D457E variant (also known as c.1371C>A), located in coding exon 13 of the NF2 gene, results from a C to A substitution at nucleotide position 1371. The aspartic acid at codon 457 is replaced by glutamic acid, an amino acid with highly similar properties. This amino acid position is conserved. In addition, this alteration is predicted to be tolerated by in silico analysis. Since supporting evidence is limited at this time, the clinical significance of this alteration remains unclear.